The following is an entry in ClinVar:

NM_170682.4(P2RX2):c.1062+5G>A

Gene: P2RX2 (purinergic receptor P2X 2; plus strand). Cytogenetic location: 12q24.33.
Variant type: single nucleotide variant.
Coding change: c.1062+5G>A on transcript NM_170682.4 (MANE Select); 5 bases into the intron after coding-DNA position 1062, G replaced by A.
Molecular consequence: intron variant. On other transcripts: 3 prime UTR variant (1), missense variant (1).
Genome position (GRCh38, 1-based): chr12:132,621,545, G>A. VCF-style: chr12-132621545-G-A. GRCh37 (hg19) VCF-style: chr12-133198131-G-A.
Other names: c.*36G>A (NM_001282165.2); c.1067G>A, p.Arg356Lys (NM_170683.4); c.1062+5G>A (NM_174873.3); c.990+5G>A (NM_016318.4); c.960+5G>A (NM_001282164.2); c.846+5G>A (NM_012226.5); c.786+5G>A (NM_174872.3); short protein forms R356K.
Identifiers: ClinVar variation 2117732 (VCV002117732.4), dbSNP rs2041684446, ClinGen allele CA387362233.

ClinVar aggregate classification (germline): Uncertain significance (1 of 4 stars; one submission).

Allele frequency attached by ClinVar (database versions not stated): gnomAD exomes below 0.00001; gnomAD 0.00001.

Submission:

Labcorp Genetics (formerly Invitae), Labcorp
Classification: Uncertain significance. Last evaluated: 2022-09-19. Review status: criteria provided, single submitter. Criteria: Invitae Variant Classification Sherloc (09022015). Collection method: clinical testing. Allele origin: germline.
Comment: This sequence change falls in intron 10 of the P2RX2 gene. It does not directly change the encoded amino acid sequence of the P2RX2 protein. It affects a nucleotide within the consensus splice site. This variant is not present in population databases (gnomAD no frequency). This variant has not been reported in the literature in individuals affected with P2RX2-related conditions. Variants that disrupt the consensus splice site are a relatively common cause of aberrant splicing (PMID: 17576681, 9536098). Algorithms developed to predict the effect of sequence changes on RNA splicing suggest that this variant may disrupt the consensus splice site. In summary, the available evidence is currently insufficient to determine the role of this variant in disease. Therefore, it has been classified as a Variant of Uncertain Significance.

Literature cited by the submitters: PubMed 17576681; PubMed 9536098.